The following is an entry in ClinVar:

NM_022841.7(RFX7):c.4003G>T (p.Ala1335Ser)

Gene: RFX7 (regulatory factor X7; minus strand). Cytogenetic location: 15q21.3.
Variant type: single nucleotide variant.
Coding change: c.4003G>T on transcript NM_022841.7 (MANE Select); coding-DNA position 4003, G replaced by T.
Protein change: p.Ala1335Ser; replaces alanine 1335 with serine.
Molecular consequence: missense variant.
Genome position (GRCh38, 1-based): chr15:56,093,725, C>A on the plus strand (G>T on the coding strand, the complement: RFX7 is on the minus strand). VCF-style: chr15-56093725-C-A. GRCh37 (hg19) VCF-style: chr15-56385923-C-A.
Other names: c.3712G>T, p.Ala1238Ser (NM_001368073.2, NM_001368074.1, NM_001370554.1); c.4003G>T, p.Ala1335Ser (NM_001370561.1); short protein forms A1335S, A1238S.
Identifiers: ClinVar variation 5009723 (VCV005009723.1).

ClinVar aggregate classification (germline): Uncertain significance (1 of 4 stars; one submission).

gnomAD v4.1: 1 of 1,613,608 alleles (0.000062%); highest among the groups gnomAD compares: Non-Finnish European, 0.000085%; no homozygotes.

Submission:

GeneDx
Classification: Uncertain significance. Last evaluated: 2026-02-20. Review status: criteria provided, single submitter. Criteria: GeneDx Variant Classification Process June 2021. Collection method: clinical testing. Allele origin: germline.
Comment: Not observed at significant frequency in large population cohorts (gnomAD); In silico analysis suggests that this missense variant does not alter protein structure/function; Has not been previously published as pathogenic or benign to our knowledge